The following is an entry in ClinVar:

ClinVar aggregate classification (germline): Uncertain significance. Review status: criteria provided, multiple submitters, no conflicts (2 of 4 stars). 5 submissions from 5 submitters: Uncertain significance (5). Last evaluated 2025-07-12.

Conditions:
Inborn genetic diseases. Identifiers: MedGen C0950123, MeSH D030342.
Bethlem myopathy 1A. Also called: Bethlem Muscular Dystrophy; Bethlem myopathy 1; MYOPATHY, BENIGN CONGENITAL, WITH CONTRACTURES. Identifiers: Orphanet 610, MedGen CN029274, MONDO:0024530, OMIM 158810.

Allele frequency attached by ClinVar (database versions not stated): TOPMed 0.00001.

Submissions (5):

GeneDx
Classification: Uncertain significance. Last evaluated: 2025-07-12. Review status: criteria provided, single submitter. Criteria: GeneDx Variant Classification Process June 2021. Collection method: clinical testing. Allele origin: germline. Affected: yes.
Comment: Not observed at significant frequency in large population cohorts (gnomAD); In silico analysis suggests that this missense variant does not alter protein structure/function; Has not been previously published as pathogenic or benign to our knowledge

Ambry Genetics
Classification: Uncertain significance for Inborn genetic diseases. Last evaluated: 2025-02-28. Review status: criteria provided, single submitter. Criteria: Ambry Variant Classification Scheme 2023. Collection method: clinical testing. Allele origin: germline.

Labcorp Genetics (formerly Invitae), Labcorp
Classification: Uncertain significance for Bethlem myopathy 1A. Last evaluated: 2024-10-16. Review status: criteria provided, single submitter. Criteria: Invitae Variant Classification Sherloc (09022015). Collection method: clinical testing. Allele origin: germline.
Comment: This sequence change replaces asparagine, which is neutral and polar, with lysine, which is basic and polar, at codon 2324 of the COL6A3 protein (p.Asn2324Lys). This variant is not present in population databases (gnomAD no frequency). This variant has not been reported in the literature in individuals affected with COL6A3-related conditions. ClinVar contains an entry for this variant (Variation ID: 597010). Invitae Evidence Modeling of protein sequence and biophysical properties (such as structural, functional, and spatial information, amino acid conservation, physicochemical variation, residue mobility, and thermodynamic stability) indicates that this missense variant is not expected to disrupt COL6A3 protein function with a negative predictive value of 80%. In summary, the available evidence is currently insufficient to determine the role of this variant in disease. Therefore, it has been classified as a Variant of Uncertain Significance.

Revvity Omics, Revvity
Classification: Uncertain significance. Last evaluated: 2020-06-10. Review status: criteria provided, single submitter. Criteria: ACMG Guidelines, 2015. Collection method: clinical testing. Allele origin: germline.

Eurofins Ntd Llc (ga)
Classification: Uncertain significance. Last evaluated: 2018-05-04. Review status: criteria provided, single submitter. Criteria: EGL ClinVar v180209 classification definitions. Collection method: clinical testing. Allele origin: germline. Observed: 1 variant allele, 1 heterozygote.

NM_004369.4(COL6A3):c.6972C>A (p.Asn2324Lys)

Gene: COL6A3 (collagen type VI alpha 3 chain; minus strand). Cytogenetic location: 2q37.3.
Variant type: single nucleotide variant.
Coding change: c.6972C>A on transcript NM_004369.4 (MANE Select); coding-DNA position 6972, C replaced by A.
Protein change: p.Asn2324Lys; replaces asparagine 2324 with lysine.
Molecular consequence: missense variant.
Genome position (GRCh38, 1-based): chr2:237,347,864, G>T on the plus strand (C>A on the coding strand, the complement: COL6A3 is on the minus strand). VCF-style: chr2-237347864-G-T. GRCh37 (hg19) VCF-style: chr2-238256507-G-T.
Other names: c.6972C>A (NM_004369.3); c.5151C>A, p.Asn1717Lys (NM_057166.5); c.6354C>A, p.Asn2118Lys (NM_057167.4); short protein forms N2324K, N1717K, N2118K.
Identifiers: ClinVar variation 597010 (VCV000597010.17), dbSNP rs113961575, ClinGen allele CA67842322.